The following is an entry in ClinVar:

ClinVar aggregate classification (germline): Uncertain significance (1 of 4 stars; one submission).

Conditions:
Epileptic encephalopathy. Identifiers: MedGen C0543888, HP:0200134.

Allele frequency attached by ClinVar (database versions not stated): gnomAD exomes below 0.00001; TOPMed below 0.00001; gnomAD 0.00001.
gnomAD v4.1: 2 of 1,612,354 alleles (0.00012%); highest among the groups gnomAD compares: Admixed American, 0.0017%; no homozygotes.

Submission:

Labcorp Genetics (formerly Invitae), Labcorp
Classification: Uncertain significance for Epileptic encephalopathy. Last evaluated: 2022-07-06. Review status: criteria provided, single submitter. Criteria: Invitae Variant Classification Sherloc (09022015). Collection method: clinical testing. Allele origin: germline.
Comment: Algorithms developed to predict the effect of missense changes on protein structure and function are either unavailable or do not agree on the potential impact of this missense change (SIFT: "Deleterious"; PolyPhen-2: "Possibly Damaging"; Align-GVGD: "Class C0"). In summary, the available evidence is currently insufficient to determine the role of this variant in disease. Therefore, it has been classified as a Variant of Uncertain Significance. ClinVar contains an entry for this variant (Variation ID: 647907). This variant has not been reported in the literature in individuals affected with RYR3-related conditions. This variant is not present in population databases (gnomAD no frequency). This sequence change replaces methionine, which is neutral and non-polar, with isoleucine, which is neutral and non-polar, at codon 2481 of the RYR3 protein (p.Met2481Ile).

NM_001036.6(RYR3):c.7443G>A (p.Met2481Ile)

Gene: RYR3 (ryanodine receptor 3; plus strand). Cytogenetic location: 15q14.
Variant type: single nucleotide variant.
Coding change: c.7443G>A on transcript NM_001036.6 (MANE Select); coding-DNA position 7443, G replaced by A.
Protein change: p.Met2481Ile; replaces methionine 2481 with isoleucine.
Molecular consequence: missense variant.
Genome position (GRCh38, 1-based): chr15:33,736,253, G>A. VCF-style: chr15-33736253-G-A. GRCh37 (hg19) VCF-style: chr15-34028454-G-A.
Other names: c.7443G>A, p.Met2481Ile (NM_001243996.4); short protein forms M2481I.
Identifiers: ClinVar variation 647907 (VCV000647907.10), dbSNP rs1596361332, ClinGen allele CA391579592.